The following is an entry in ClinVar:

ClinVar aggregate classification (germline): Uncertain significance. Review status: criteria provided, multiple submitters, no conflicts (2 of 4 stars). 2 submissions from 2 submitters: Uncertain significance (2). Last evaluated 2025-08-25.

Conditions:
KBG syndrome (KBGS). Also called: ANKRD11-Related KBG Syndrome. Identifiers: Orphanet 2332, MedGen C0220687, MONDO:0007846, OMIM 148050.
Inborn genetic diseases. Identifiers: MedGen C0950123, MeSH D030342.

gnomAD v4.1: 7 of 1,607,106 alleles (0.00044%); highest among the groups gnomAD compares: Admixed American, 0.0017%; no homozygotes.

Submissions (2):

Labcorp Genetics (formerly Invitae), Labcorp
Classification: Uncertain significance for KBG syndrome. Last evaluated: 2025-08-25. Review status: criteria provided, single submitter. Criteria: Invitae Variant Classification Sherloc (09022015). Collection method: clinical testing. Allele origin: germline.
Comment: This sequence change replaces serine, which is neutral and polar, with leucine, which is neutral and non-polar, at codon 2011 of the ANKRD11 protein (p.Ser2011Leu). This variant is present in population databases (rs775544970, gnomAD 0.003%). This variant has not been reported in the literature in individuals affected with ANKRD11-related conditions. ClinVar contains an entry for this variant (Variation ID: 3543298). Invitae Evidence Modeling of protein sequence and biophysical properties (such as structural, functional, and spatial information, amino acid conservation, physicochemical variation, residue mobility, and thermodynamic stability) indicates that this missense variant is not expected to disrupt ANKRD11 protein function with a negative predictive value of 95%. In summary, the available evidence is currently insufficient to determine the role of this variant in disease. Therefore, it has been classified as a Variant of Uncertain Significance.

Ambry Genetics
Classification: Uncertain significance for Inborn genetic diseases. Last evaluated: 2024-11-07. Review status: criteria provided, single submitter. Criteria: Ambry Variant Classification Scheme 2023. Collection method: clinical testing. Allele origin: germline.

NM_013275.6(ANKRD11):c.6032C>T (p.Ser2011Leu)

Gene: ANKRD11 (ankyrin repeat domain 11; minus strand). Cytogenetic location: 16q24.3.
Variant type: single nucleotide variant.
Coding change: c.6032C>T on transcript NM_013275.6 (MANE Select); coding-DNA position 6032, C replaced by T.
Protein change: p.Ser2011Leu; replaces serine 2011 with leucine.
Molecular consequence: missense variant.
Genome position (GRCh38, 1-based): chr16:89,280,510, G>A on the plus strand (C>T on the coding strand, the complement: ANKRD11 is on the minus strand). VCF-style: chr16-89280510-G-A. GRCh37 (hg19) VCF-style: chr16-89346918-G-A.
Other names: c.6032C>T, p.Ser2011Leu (NM_001256182.2, NM_001256183.2); short protein forms S2011L.
Identifiers: ClinVar variation 3543298 (VCV003543298.2).